The following is an entry in ClinVar:

NM_020457.3(THAP11):c.395_397del (p.Gln132_Ser133delinsPro)

Genes: CENPT (centromere protein T; minus strand), THAP11 (THAP domain containing 11; plus strand). Cytogenetic location: 16q22.1.
Variant type: Deletion.
Coding change: c.395_397del on transcript NM_020457.3 (MANE Select); coding-DNA positions 395 to 397, 3 bases deleted (AGT; older notation c.395_397delAGT).
Protein change: p.Gln132_Ser133delinsPro.
Molecular consequence: inframe indel. On other transcripts: intron variant (1).
Genome position (GRCh38, 1-based): chr16:67,842,949-67,842,951, AGT deleted. VCF-style (leftmost placement, unchanged base first): chr16-67842948-CAGT-C. GRCh37 (hg19) VCF-style: chr16-67876851-CAGT-C.
Other names: c.-492+4450_-492+4452del (NM_025082.4).
Identifiers: ClinVar variation 1940234 (VCV001940234.5), dbSNP rs948980997, ClinGen allele CA283195775.

ClinVar aggregate classification (germline): Uncertain significance (1 of 4 stars; one submission).

Allele frequency attached by ClinVar (database versions not stated): gnomAD 0.00003.

Submission:

Labcorp Genetics (formerly Invitae), Labcorp
Classification: Uncertain significance. Last evaluated: 2022-07-16. Review status: criteria provided, single submitter. Criteria: Invitae Variant Classification Sherloc (09022015). Collection method: clinical testing. Allele origin: germline.
Comment: This variant is not present in population databases (gnomAD no frequency). In summary, the available evidence is currently insufficient to determine the role of this variant in disease. Therefore, it has been classified as a Variant of Uncertain Significance. Experimental studies and prediction algorithms are not available or were not evaluated, and the functional significance of this variant is currently unknown. This variant has not been reported in the literature in individuals affected with THAP11-related conditions. This variant, c.395_397del, is a complex sequence change that results in the deletion of 2 and insertion of 1 amino acid(s) in the THAP11 protein (p.Gln132_Ser133delinsPro).